The following is an entry in ClinVar:

NM_001943.5(DSG2):c.691-147T>C

Gene: DSG2 (desmoglein 2; plus strand). Cytogenetic location: 18q12.1.
Variant type: single nucleotide variant.
Coding change: c.691-147T>C on transcript NM_001943.5 (MANE Select); 147 bases into the intron before coding-DNA position 691, T replaced by C.
Molecular consequence: intron variant.
Genome position (GRCh38, 1-based): chr18:31,524,301, T>C. VCF-style: chr18-31524301-T-C. GRCh37 (hg19) VCF-style: chr18-29104264-T-C.
Identifiers: ClinVar variation 672126 (VCV000672126.1), dbSNP rs2848664, ClinGen allele CA14513518.
Genomic context (GRCh38, chr18:31,524,301, plus strand): 5'-GACTATCTACAACTCCCGAGGCTTTTCTGTTCTTCTGCAAAAGCTCTGACTGCAAGTAAA[T>C]AGTATCTTCACACAAATAATAGCAGATCATAAAACAGATTTGTAAATAAAATATACTGTG-3'

ClinVar aggregate classification (germline): Benign (1 of 4 stars; one submission).

Allele frequency attached by ClinVar (database versions not stated): gnomAD exomes 0.11029; gnomAD 0.19301 and 0.19879; TOPMed 0.20564; 1000 Genomes Project 0.21366; 1000 Genomes Project 30x 0.21846.
gnomAD v4.1: 137,939 of 1,130,148 alleles (12%); highest among the groups gnomAD compares: African/African-American, 41%; 11,778 homozygotes.

Submission:

GeneDx
Classification: Benign. Last evaluated: 2018-06-15. Review status: criteria provided, single submitter. Criteria: GeneDx Variant Classification (06012015). Collection method: clinical testing. Allele origin: germline. Affected: yes.
Comment: This variant is considered likely benign or benign based on one or more of the following criteria: it is a conservative change, it occurs at a poorly conserved position in the protein, it is predicted to be benign by multiple in silico algorithms, and/or has population frequency not consistent with disease.